The following is an entry in ClinVar:

ClinVar aggregate classification (germline): Likely benign (1 of 4 stars; one submission).

Submission:

Women's Health and Genetics/Laboratory Corporation of America, LabCorp
Classification: Likely benign. Last evaluated: 2021-10-18. Review status: criteria provided, single submitter. Criteria: LabCorp Variant Classification Summary - May 2015. Collection method: clinical testing. Allele origin: germline.
Comment: Variant summary: BRCA2 c.6585T>C alters a non-conserved nucleotide resulting in a synonymous change. 4/4 computational tools predict no significant impact on normal splicing. However, these predictions have yet to be confirmed by functional studies. The variant was absent in 246832 control chromosomes (gnomAD). The available data on variant occurrences in the general population are insufficient to allow any conclusion about variant significance. To our knowledge, no occurrence of c.6585T>C in individuals affected with Hereditary Breast And Ovarian Cancer Syndrome and no experimental evidence demonstrating its impact on protein function have been reported. No clinical diagnostic laboratories have submitted clinical-significance assessments for this variant to ClinVar after 2014. Based on the evidence outlined above, the variant was classified as likely benign.

NM_000059.4(BRCA2):c.6585T>C (p.Gly2195=)

Gene: BRCA2 (BRCA2 DNA repair associated; plus strand). Cytogenetic location: 13q13.1.
Variant type: single nucleotide variant.
Coding change: c.6585T>C on transcript NM_000059.4 (MANE Select); coding-DNA position 6585, T replaced by C.
Protein change: p.Gly2195=; no amino-acid change (glycine 2195 retained).
Molecular consequence: synonymous variant.
Genome position (GRCh38, 1-based): chr13:32,340,940, T>C. VCF-style: chr13-32340940-T-C. GRCh37 (hg19) VCF-style: chr13-32915077-T-C.
Identifiers: ClinVar variation 1321386 (VCV001321386.1), dbSNP rs2137528795, ClinGen allele CA483439239.